The following is an entry in ClinVar:

ClinVar aggregate classification (germline): Uncertain significance. Review status: criteria provided, multiple submitters, no conflicts (2 of 4 stars). 2 submissions from 2 submitters: Uncertain significance (2). Last evaluated 2023-07-10.

Conditions:
Cowden syndrome (CS). Also called: Cowden's disease; Cowden's syndrome; Cowden disease. Identifiers: Orphanet 201, MedGen C0018553, MONDO:0016063. Disease mechanism: gain of function.

Allele frequency attached by ClinVar (database versions not stated): gnomAD exomes below 0.00001.
gnomAD v4.1: 1 of 1,613,954 alleles (0.000062%); highest among the groups gnomAD compares: Non-Finnish European, 0.000085%; no homozygotes.

Submissions (2):

Labcorp Genetics (formerly Invitae), Labcorp
Classification: Uncertain significance for Cowden syndrome. Last evaluated: 2023-07-10. Review status: criteria provided, single submitter. Criteria: Invitae Variant Classification Sherloc (09022015). Collection method: clinical testing. Allele origin: germline.
Comment: This sequence change replaces serine, which is neutral and polar, with cysteine, which is neutral and slightly polar, at codon 499 of the PIK3CA protein (p.Ser499Cys). This variant is not present in population databases (gnomAD no frequency). In summary, the available evidence is currently insufficient to determine the role of this variant in disease. Therefore, it has been classified as a Variant of Uncertain Significance. Advanced modeling of protein sequence and biophysical properties (such as structural, functional, and spatial information, amino acid conservation, physicochemical variation, residue mobility, and thermodynamic stability) has been performed at Invitae for this missense variant, however the output from this modeling did not meet the statistical confidence thresholds required to predict the impact of this variant on PIK3CA protein function. ClinVar contains an entry for this variant (Variation ID: 1450269). This variant has not been reported in the literature in individuals affected with PIK3CA-related conditions.

GeneDx
Classification: Uncertain significance. Last evaluated: 2022-12-21. Review status: criteria provided, single submitter. Criteria: GeneDx Variant Classification Process June 2021. Collection method: clinical testing. Allele origin: germline. Affected: yes.
Comment: Not observed at significant frequency in large population cohorts (gnomAD); In silico analysis supports that this missense variant does not alter protein structure/function; Has not been previously published as pathogenic or benign to our knowledge

NM_006218.4(PIK3CA):c.1496C>G (p.Ser499Cys)

Gene: PIK3CA (phosphatidylinositol-4,5-bisphosphate 3-kinase catalytic subunit alpha; plus strand). Cytogenetic location: 3q26.32.
Variant type: single nucleotide variant.
Coding change: c.1496C>G on transcript NM_006218.4 (MANE Select); coding-DNA position 1496, C replaced by G.
Protein change: p.Ser499Cys; replaces serine 499 with cysteine.
Molecular consequence: missense variant.
Genome position (GRCh38, 1-based): chr3:179,210,522, C>G. VCF-style: chr3-179210522-C-G. GRCh37 (hg19) VCF-style: chr3-178928310-C-G.
Other names: c.1496C>G (NM_006218.2); short protein forms S499C.
Identifiers: ClinVar variation 1450269 (VCV001450269.11), dbSNP rs1724682773, ClinGen allele CA355262699.